The following is an entry in ClinVar:

NM_001983.4(ERCC1):c.213G>A (p.Gly71=)

Gene: ERCC1 (ERCC excision repair 1, endonuclease non-catalytic subunit; minus strand). Cytogenetic location: 19q13.32.
Variant type: single nucleotide variant.
Coding change: c.213G>A on transcript NM_001983.4 (MANE Select); coding-DNA position 213, G replaced by A.
Protein change: p.Gly71=; no amino-acid change (glycine 71 retained).
Molecular consequence: synonymous variant.
Genome position (GRCh38, 1-based): chr19:45,421,286, C>T on the plus strand (G>A on the coding strand, the complement: ERCC1 is on the minus strand). VCF-style: chr19-45421286-C-T. GRCh37 (hg19) VCF-style: chr19-45924544-C-T.
Other names: c.213G>A, p.Gly71= (NM_001166049.2, NM_001369408.1, NM_001369409.1 and 11 more transcripts).
Identifiers: ClinVar variation 4084199 (VCV004084199.8).

ClinVar aggregate classification (germline): Likely benign (1 of 4 stars; one submission).

gnomAD v4.1: 4 of 1,614,056 alleles (0.00025%); highest among the groups gnomAD compares: African/African-American, 0.0053%; no homozygotes.

Submission:

CeGaT Center for Human Genetics Tuebingen
Classification: Likely benign. Last evaluated: 2025-07-01. Review status: criteria provided, single submitter. Criteria: CeGaT Center For Human Genetics Tuebingen Variant Classification Criteria Version 2. Collection method: clinical testing. Allele origin: germline. Affected: yes. Observed: 1 variant allele.
Comment: ERCC1: BP4, BP7